The following is an entry in ClinVar:

NM_001903.5(CTNNA1):c.625G>T (p.Ala209Ser)

Gene: CTNNA1 (catenin alpha 1; plus strand). Cytogenetic location: 5q31.2.
Variant type: single nucleotide variant.
Coding change: c.625G>T on transcript NM_001903.5 (MANE Select); coding-DNA position 625, G replaced by T.
Protein change: p.Ala209Ser; replaces alanine 209 with serine.
Molecular consequence: missense variant.
Genome position (GRCh38, 1-based): chr5:138,824,566, G>T. VCF-style: chr5-138824566-G-T. GRCh37 (hg19) VCF-style: chr5-138160255-G-T.
Other names: c.625G>T (NM_001903.2); c.625G>T, p.Ala209Ser (NM_001290307.3, NM_001323982.2, NM_001323983.1 and 3 more transcripts); c.316G>T, p.Ala106Ser (NM_001290309.3); c.256G>T, p.Ala86Ser (NM_001290310.3); short protein forms A209S, A106S, A86S.
Identifiers: ClinVar variation 2854090 (VCV002854090.4), dbSNP rs2149775587, ClinGen allele CA361129498.
Genomic context (GRCh38, chr5:138,824,566, plus strand): 5'-TTCTTGTTTTATTTACTCTTGTAGGAATTGAAAGATGTTGGCCATCGTGATCAGATGGCT[G>T]CAGCTAGAGGAATCCTGCAGAAGAACGTTCCGATCCTCTATACTGCATCCCAGGCATGCC-3'
Protein context (NP_001894.2, residues 199-219): KDVGHRDQMA[Ala209Ser]ARGILQKNVP

ClinVar aggregate classification (germline): Uncertain significance. Review status: criteria provided, multiple submitters, no conflicts (2 of 4 stars). 2 submissions from 2 submitters: Uncertain significance (2). Last evaluated 2026-06-09.

Conditions:
Hereditary cancer-predisposing syndrome. Also called: Hereditary neoplastic syndrome; Neoplastic Syndromes, Hereditary; Tumor predisposition; Hereditary Cancer Syndrome. Identifiers: Orphanet 140162, MedGen C0027672, MeSH D009386, MONDO:0015356.

Submissions (2):

Ambry Genetics
Classification: Uncertain significance for Hereditary cancer-predisposing syndrome. Last evaluated: 2026-06-09. Review status: criteria provided, single submitter. Criteria: Ambry Variant Classification Scheme 2023. Collection method: clinical testing. Allele origin: germline.
Comment: The p.A209S variant (also known as c.625G>T), located in coding exon 5 of the CTNNA1 gene, results from a G to T substitution at nucleotide position 625. The alanine at codon 209 is replaced by serine, an amino acid with similar properties. This amino acid position is conserved. In addition, this alteration is predicted to be tolerated by in silico analysis. Based on the available evidence, the clinical significance of this variant remains unclear.

Labcorp Genetics (formerly Invitae), Labcorp
Classification: Uncertain significance. Last evaluated: 2023-04-09. Review status: criteria provided, single submitter. Criteria: Invitae Variant Classification Sherloc (09022015). Collection method: clinical testing. Allele origin: germline.
Comment: Advanced modeling of protein sequence and biophysical properties (such as structural, functional, and spatial information, amino acid conservation, physicochemical variation, residue mobility, and thermodynamic stability) performed at Invitae indicates that this missense variant is not expected to disrupt CTNNA1 protein function. In summary, the available evidence is currently insufficient to determine the role of this variant in disease. Therefore, it has been classified as a Variant of Uncertain Significance. This variant has not been reported in the literature in individuals affected with CTNNA1-related conditions. This variant is not present in population databases (gnomAD no frequency). This sequence change replaces alanine, which is neutral and non-polar, with serine, which is neutral and polar, at codon 209 of the CTNNA1 protein (p.Ala209Ser).